The following is an entry in ClinVar:

ClinVar aggregate classification (germline): Likely pathogenic (1 of 4 stars; one submission).

Conditions:
Dehydrated hereditary stomatocytosis with or without pseudohyperkalemia and/or perinatal edema (DHS1). Also called: PSEUDOHYPERKALEMIA EDINBURGH; DEHYDRATED HEREDITARY STOMATOCYTOSIS AND PSEUDOHYPERKALEMIA; DEHYDRATED HEREDITARY STOMATOCYTOSIS WITH PSEUDOHYPERKALEMIA AND PERINATAL EDEMA; Pseudohyperkalemia, familial, 1, due to red cell leak; Dehydrated hereditary stomatocytosis 1 with or without pseudohyperkalemia and/or perinatal edema. Identifiers: Orphanet 3202, MedGen C4551512, MONDO:0008689, OMIM 194380.

Submission:

New York Genome Center
Classification: Likely pathogenic for Dehydrated hereditary stomatocytosis with or without pseudohyperkalemia and/or perinatal edema. Last evaluated: 2021-08-20. Review status: criteria provided, single submitter. Criteria: NYGC Assertion Criteria 2020. Collection method: clinical testing. Allele origin: de novo. Affected: yes. Observed: 1 heterozygote. Study: PrenatalSEQ.
Comment: The de novo c.7367G>C (p.Arg2456Pro) missense variant identified in PIEZO1 has not been reported in affected individuals in the literature. The variant is absent from gnomAD(v3) database suggesting it is not a common benign variant in the populations represented in that database. The variant affects an evolutionarily conserved residue and is predicted deleterious by multiple in silico prediction tools (CADD score = 32, REVEL score = 0.813). A different missense variant (p.Arg2456His) affecting the same Arg2456 residue has been reported in multiple unrelated individuals as well as in large families affected with autosomal dominant dehydrated hereditary stomatocytosis and/or hereditary xerocytosis with fetal hydrops [PMID: 22529292, 23581886, 24314002, 23973043, 29396846, 31624108]. Functional studies have shown that the p.Arg2456His results in gain-of-function of the PIEZO1 channel [23695678, 23479567, 23487776, 28716860]. Another missense variant (p.Arg2456Cys) affecting the same Arg2456 has been reported as homozygous in a patient with autosomal recessive non-immune hydrops fetalis, generalized oedema at birth, and bilateral pleural effusions [PMID: 26333996]. Given the de novo status of c.7367G>C (p.Arg2456Pro), it’s absence from public databases, and published functional importance of the Arg2456 residue, the de novo c.7367G>C (p.Arg2456Pro) missense variant identified in PIEZO1 is reported as Likely Pathogenic.

NM_001142864.4(PIEZO1):c.7367G>C (p.Arg2456Pro)

Gene: PIEZO1 (piezo type mechanosensitive ion channel component 1 (Er blood group); minus strand). Cytogenetic location: 16q24.3.
Variant type: single nucleotide variant.
Coding change: c.7367G>C on transcript NM_001142864.4 (MANE Select); coding-DNA position 7367, G replaced by C.
Protein change: p.Arg2456Pro; replaces arginine 2456 with proline.
Molecular consequence: missense variant.
Genome position (GRCh38, 1-based): chr16:88,715,804, C>G on the plus strand (G>C on the coding strand, the complement: PIEZO1 is on the minus strand). VCF-style: chr16-88715804-C-G. GRCh37 (hg19) VCF-style: chr16-88782212-C-G.
Other names: c.5909G>C, p.Arg1970Pro (NM_014745.1); short protein forms R1970P, R2456P.
Identifiers: ClinVar variation 3235926 (VCV003235926.1), dbSNP rs587776988, ClinGen allele CA397071500.
Genomic context (GRCh38, chr16:88,715,804, plus strand): 5'-CGGTCCACGCACGGCAGCTCCTCGAACATAATGGAGTGCGAGATCTCGCTGAAGAATCCG[C>G]GCACGAACTTGCCGATGACCAGCACGATGGACACGTACAGCCCCATGATGCTGCGGGGGA-3'
Protein context (NP_001136336.2, residues 2446-2466): SIVLVIGKFV[Arg2456Pro]GFFSEISHSI